The following is an entry in ClinVar:

ClinVar aggregate classification (germline): Uncertain significance. Review status: criteria provided, multiple submitters, no conflicts (2 of 4 stars). 2 submissions from 2 submitters: Uncertain significance (2). Last evaluated 2022-03-16.

Submissions (2):

GeneDx
Classification: Uncertain significance. Last evaluated: 2022-03-16. Review status: criteria provided, single submitter. Criteria: GeneDx Variant Classification Process June 2021. Collection method: clinical testing. Allele origin: germline. Affected: yes.
Comment: Not observed at significant frequency in large population cohorts (gnomAD); In silico analysis supports that this missense variant has a deleterious effect on protein structure/function; Has not been previously published as pathogenic or benign to our knowledge

Ambry Genetics
Classification: Uncertain significance. Last evaluated: 2022-01-27. Review status: criteria provided, single submitter. Criteria: Ambry Variant Classification Scheme 2023. Collection method: clinical testing. Allele origin: germline.

NM_004807.3(HS6ST1):c.344C>A (p.Pro115Gln)

Gene: HS6ST1 (heparan sulfate 6-O-sulfotransferase 1; minus strand). Cytogenetic location: 2q14.3.
Variant type: single nucleotide variant.
Coding change: c.344C>A on transcript NM_004807.3 (MANE Select); coding-DNA position 344, C replaced by A.
Protein change: p.Pro115Gln; replaces proline 115 with glutamine.
Molecular consequence: missense variant.
Genome position (GRCh38, 1-based): chr2:128,318,220, G>T on the plus strand (C>A on the coding strand, the complement: HS6ST1 is on the minus strand). VCF-style: chr2-128318220-G-T. GRCh37 (hg19) VCF-style: chr2-129075794-G-T.
Other names: short protein forms P115Q.
Identifiers: ClinVar variation 1708891 (VCV001708891.5), dbSNP rs1694402952, ClinGen allele CA348617038.